The following is an entry in ClinVar:

ClinVar aggregate classification (germline): Likely pathogenic (1 of 4 stars; one submission).

Submission:

GeneDx
Classification: Likely pathogenic. Last evaluated: 2020-02-10. Review status: criteria provided, single submitter. Criteria: GeneDx Variant Classification Process June 2021. Collection method: clinical testing. Allele origin: germline. Affected: yes.
Comment: Frameshift variant predicted to result in protein truncation or nonsense mediated decay in a gene for which loss-of-function is a known mechanism of disease; Not observed in large population cohorts (Lek et al., 2016); Has not been previously published as pathogenic or benign to our knowledge

NM_032888.4(COL27A1):c.1160del (p.Pro387fs)

Gene: COL27A1 (collagen type XXVII alpha 1 chain; plus strand). Cytogenetic location: 9q32.
Variant type: Deletion.
Coding change: c.1160del on transcript NM_032888.4 (MANE Select); coding-DNA position 1160, one base deleted (C; older notation c.1160delC).
Protein change: p.Pro387fs; shifts the reading frame from proline 387.
Molecular consequence: frameshift variant.
Genome position (GRCh38, 1-based): chr9:114,168,715, C deleted; the last of 2 consecutive C bases (chr9:114,168,714-114,168,715); deleting either gives the same sequence. VCF-style (leftmost placement, unchanged base first): chr9-114168713-TC-T. GRCh37 (hg19) VCF-style: chr9-116930993-TC-T.
Other names: short protein forms P387fs.
Identifiers: ClinVar variation 1186900 (VCV001186900.2), dbSNP rs2135080796, ClinGen allele CA2499219578.